The following is an entry in ClinVar:

NM_014112.5(TRPS1):c.2627C>T (p.Ser876Phe)

Gene: TRPS1 (transcriptional repressor GATA binding 1; minus strand). Cytogenetic location: 8q23.3.
Variant type: single nucleotide variant.
Coding change: c.2627C>T on transcript NM_014112.5 (MANE Select); coding-DNA position 2627, C replaced by T.
Protein change: p.Ser876Phe; replaces serine 876 with phenylalanine.
Molecular consequence: missense variant.
Genome position (GRCh38, 1-based): chr8:115,587,074, G>A on the plus strand (C>T on the coding strand, the complement: TRPS1 is on the minus strand). VCF-style: chr8-115587074-G-A. GRCh37 (hg19) VCF-style: chr8-116599301-G-A.
Other names: c.2600C>T, p.Ser867Phe (NM_001282902.3); c.2606C>T, p.Ser869Phe (NM_001282903.3); c.2588C>T, p.Ser863Phe (NM_001330599.2); short protein forms S876F, S863F, S867F, S869F.
Identifiers: ClinVar variation 208733 (VCV000208733.5), dbSNP rs751298577, ClinGen allele CA204785.

ClinVar aggregate classification (germline): Uncertain significance. Review status: criteria provided, multiple submitters, no conflicts (2 of 4 stars). 2 submissions from 2 submitters: Uncertain significance (2). Last evaluated 2025-06-01.

Conditions:
Inborn genetic diseases. Identifiers: MedGen C0950123, MeSH D030342.
Trichorhinophalangeal syndrome, type III (TRPS3). Also called: SUGIO-KAJII SYNDROME. Identifiers: Orphanet 77258, MedGen C1860823, OMIM 190351, MONDO:0008597.
Trichorhinophalangeal dysplasia type I (TRPS1). Also called: TRPS I; TRICHORHINOPHALANGEAL SYNDROME, TYPE I. Identifiers: Orphanet 77258, MedGen C0432233, MONDO:0008596, OMIM 190350.

Allele frequency attached by ClinVar (database versions not stated): TOPMed 0.00002.
gnomAD v4.1: 14 of 1,614,048 alleles (0.00087%); highest among the groups gnomAD compares: South Asian, 0.0077%; no homozygotes.

Submissions (2):

Labcorp Genetics (formerly Invitae), Labcorp
Classification: Uncertain significance for Trichorhinophalangeal syndrome, type III; Trichorhinophalangeal dysplasia type I. Last evaluated: 2025-06-01. Review status: criteria provided, single submitter. Criteria: Invitae Variant Classification Sherloc (09022015). Collection method: clinical testing. Allele origin: germline.
Comment: This sequence change replaces serine, which is neutral and polar, with phenylalanine, which is neutral and non-polar, at codon 876 of the TRPS1 protein (p.Ser876Phe). This variant is present in population databases (rs751298577, gnomAD 0.007%). This missense change has been observed in individual(s) with clinical features of TRPS1-related conditions (PMID: 24648374). ClinVar contains an entry for this variant (Variation ID: 208733). Invitae Evidence Modeling of protein sequence and biophysical properties (such as structural, functional, and spatial information, amino acid conservation, physicochemical variation, residue mobility, and thermodynamic stability) indicates that this missense variant is not expected to disrupt TRPS1 protein function with a negative predictive value of 80%. In summary, the available evidence is currently insufficient to determine the role of this variant in disease. Therefore, it has been classified as a Variant of Uncertain Significance.

Ambry Genetics
Classification: Uncertain significance for Inborn genetic diseases. Last evaluated: 2017-12-08. Review status: criteria provided, single submitter. Criteria: Ambry exome assertion method (8-5-2015). Collection method: clinical testing. Allele origin: germline. Affected: yes. Observed: 1 variant allele.

Literature cited by the submitters: PubMed 24648374 (cited by Labcorp Genetics (formerly Invitae), Labcorp); PubMed 28004029 (cited by Ambry Genetics).